The following is an entry in ClinVar:

NM_139027.6(ADAMTS13):c.3874G>A (p.Ala1292Thr)

Gene: ADAMTS13 (ADAM metallopeptidase with thrombospondin type 1 motif 13; plus strand). Cytogenetic location: 9q34.2.
Variant type: single nucleotide variant.
Coding change: c.3874G>A on transcript NM_139027.6 (MANE Select); coding-DNA position 3874, G replaced by A.
Protein change: p.Ala1292Thr; replaces alanine 1292 with threonine.
Molecular consequence: missense variant.
Genome position (GRCh38, 1-based): chr9:133,458,059, G>A. VCF-style: chr9-133458059-G-A. GRCh37 (hg19) VCF-style: chr9-136323181-G-A.
Other names: p.Ala1348Thr; c.4042G>A (NM_139025.3); c.4042G>A, p.Ala1348Thr (NM_139025.5); c.3781G>A, p.Ala1261Thr (NM_139026.6); short protein forms A1261T, A1292T, A1348T.
Identifiers: ClinVar variation 3379932 (VCV003379932.2).

ClinVar aggregate classification (germline): Conflicting classifications of pathogenicity. Review status: criteria provided, conflicting classifications (1 of 4 stars). 2 submissions from 2 submitters: Uncertain significance (1); Likely benign (1). Last evaluated 2025-08-21.

Conditions:
Inborn genetic diseases. Identifiers: MedGen C0950123, MeSH D030342.

gnomAD v4.1: 15 of 1,613,410 alleles (0.00093%); highest among the groups gnomAD compares: East Asian, 0.0045%; no homozygotes.

Submissions (2):

Ambry Genetics
Classification: Likely benign for Inborn genetic diseases. Last evaluated: 2025-08-21. Review status: criteria provided, single submitter. Criteria: Ambry Variant Classification Scheme 2023. Collection method: clinical testing. Allele origin: germline.

Mayo Clinic Laboratories, Mayo Clinic
Classification: Uncertain significance. Last evaluated: 2024-02-08. Review status: criteria provided, single submitter. Criteria: ACMG Guidelines, 2015. Collection method: clinical testing. Allele origin: germline. Observed: 1 variant allele.
Comment: BP4